The following is an entry in ClinVar:

ClinVar aggregate classification (germline): Uncertain significance (1 of 4 stars; one submission).

Conditions:
Congenital myasthenic syndrome 4A. Also called: Myasthenic syndrome, congenital, 4a, slow-channel; CONGENITAL MYASTHENIC SYNDROME TYPE Ia1; MYASTHENIC SYNDROME, CONGENITAL, 4A, SLOW-CHANNEL, AUTOSOMAL RECESSIVE. Identifiers: Orphanet 590, MedGen C4225413, MONDO:0011600, OMIM 605809.

Submission:

Labcorp Genetics (formerly Invitae), Labcorp
Classification: Uncertain significance for Congenital myasthenic syndrome 4A. Last evaluated: 2024-02-20. Review status: criteria provided, single submitter. Criteria: Invitae Variant Classification Sherloc (09022015). Collection method: clinical testing. Allele origin: germline.
Comment: This sequence change replaces leucine, which is neutral and non-polar, with isoleucine, which is neutral and non-polar, at codon 379 of the CHRNE protein (p.Leu379Ile). This variant is not present in population databases (gnomAD no frequency). This variant has not been reported in the literature in individuals affected with CHRNE-related conditions. Advanced modeling of protein sequence and biophysical properties (such as structural, functional, and spatial information, amino acid conservation, physicochemical variation, residue mobility, and thermodynamic stability) performed at Invitae indicates that this missense variant is not expected to disrupt CHRNE protein function with a negative predictive value of 95%. In summary, the available evidence is currently insufficient to determine the role of this variant in disease. Therefore, it has been classified as a Variant of Uncertain Significance.

NM_000080.4(CHRNE):c.1135C>A (p.Leu379Ile)

Genes: CHRNE (cholinergic receptor nicotinic epsilon subunit; minus strand), LOC130060040 (ATAC-STARR-seq lymphoblastoid silent region 8049; plus strand). Cytogenetic location: 17p13.2.
Variant type: single nucleotide variant.
Coding change: c.1135C>A on transcript NM_000080.4 (MANE Select); coding-DNA position 1135, C replaced by A.
Protein change: p.Leu379Ile; replaces leucine 379 with isoleucine.
Molecular consequence: missense variant.
Genome position (GRCh38, 1-based): chr17:4,899,282, G>T on the plus strand (C>A on the coding strand, the complement: CHRNE is on the minus strand). VCF-style: chr17-4899282-G-T. GRCh37 (hg19) VCF-style: chr17-4802577-G-T.
Other names: short protein forms L379I.
Identifiers: ClinVar variation 3634417 (VCV003634417.2).